The following is an entry in ClinVar:

ClinVar aggregate classification (germline): Conflicting classifications of pathogenicity. Review status: criteria provided, conflicting classifications (1 of 4 stars). 3 submissions from 3 submitters: Uncertain significance (1); Likely benign (2). Last evaluated 2022-11-08.

Conditions:
Joubert syndrome. Also called: CEREBELLOPARENCHYMAL DISORDER IV; JOUBERT-BOLTSHAUSER SYNDROME; Familial aplasia of the vermis. Identifiers: Orphanet 475, MedGen C5979921, MONDO:0018772.

Submissions (3):

Labcorp Genetics (formerly Invitae), Labcorp
Classification: Likely benign for Joubert syndrome. Last evaluated: 2022-11-08. Review status: criteria provided, single submitter. Criteria: Invitae Variant Classification Sherloc (09022015). Collection method: clinical testing. Allele origin: germline.

GeneDx
Classification: Likely benign. Last evaluated: 2019-03-15. Review status: criteria provided, single submitter. Criteria: GeneDx Variant Classification Process June 2021. Collection method: clinical testing. Allele origin: germline. Affected: yes.
Comment: This variant is associated with the following publications: (PMID: 22334370)

Eurofins Ntd Llc (ga)
Classification: Uncertain significance. Last evaluated: 2014-03-19. Review status: criteria provided, single submitter. Criteria: EGL Classification Definitions 2015. Collection method: clinical testing. Allele origin: germline. Observed: 2 variant alleles, 2 heterozygotes.

NM_001134831.2(AHI1):c.2961+7_2961+21delinsGACTTTTTTAAAGTTTTAAA

Gene: AHI1 (Abelson helper integration site 1; minus strand). Cytogenetic location: 6q23.3.
Variant type: Indel.
Coding change: c.2961+7_2961+21delinsGACTTTTTTAAAGTTTTAAA on transcript NM_001134831.2 (MANE Select); bases 7 to 21 of the intron after coding-DNA position 2961, TTATTTTATGCAGTT replaced by GACTTTTTTAAAGTTTTAAA.
Molecular consequence: intron variant.
Genome position (GRCh38, 1-based): chr6:135,411,327-135,411,341, AACTGCATAAAATAA replaced by TTTAAAACTTTAAAAAAGTC on the plus strand (TTATTTTATGCAGTT replaced by GACTTTTTTAAAGTTTTAAA on the coding strand, the reverse complement: AHI1 is on the minus strand). GRCh37 (hg19): chr6:135,732,465-135,732,479.
Other names: c.2961+7_2961+21delTTATTTTATGCAGTTinsGACTTTTTTAAAGTTTTAAA (NM_017651.4); c.2961+7_2961+21delinsGACTTTTTTAAAGTTTTAAA (NM_001134830.2, NM_001350503.2, NM_017651.5 and 2 more transcripts).
Identifiers: ClinVar variation 166663 (VCV000166663.14), dbSNP rs786200964, ClinGen allele CA233456.